The following is an entry in ClinVar:

ClinVar aggregate classification (germline): Uncertain significance (1 of 4 stars; one submission).

Submission:

GeneDx
Classification: Uncertain significance. Last evaluated: 2022-11-21. Review status: criteria provided, single submitter. Criteria: GeneDx Variant Classification Process June 2021. Collection method: clinical testing. Allele origin: germline. Affected: yes.
Comment: Not observed at significant frequency in large population cohorts (gnomAD); In silico analysis supports that this missense variant does not alter protein structure/function; Has not been previously published as pathogenic or benign to our knowledge

NM_001160372.4(TRAPPC9):c.289G>A (p.Glu97Lys)

Gene: TRAPPC9 (trafficking protein particle complex subunit 9; minus strand). Cytogenetic location: 8q24.3.
Variant type: single nucleotide variant.
Coding change: c.289G>A on transcript NM_001160372.4 (MANE Select); coding-DNA position 289, G replaced by A.
Protein change: p.Glu97Lys; replaces glutamic acid 97 with lysine.
Molecular consequence: missense variant. On other transcripts: non-coding transcript variant (1).
Genome position (GRCh38, 1-based): chr8:140,451,085, C>T on the plus strand (G>A on the coding strand, the complement: TRAPPC9 is on the minus strand). VCF-style: chr8-140451085-C-T. GRCh37 (hg19) VCF-style: chr8-141461184-C-T.
Other names: c.289G>A, p.Glu97Lys (NM_001321646.2, NM_001374682.1, NM_001374683.1 and 2 more transcripts); short protein forms E97K.
Identifiers: ClinVar variation 2502489 (VCV002502489.1), dbSNP rs781469639, ClinGen allele CA372318613.